The following is an entry in ClinVar:

ClinVar aggregate classification (germline): Uncertain significance. Review status: criteria provided, multiple submitters, no conflicts (2 of 4 stars). 2 submissions from 2 submitters: Uncertain significance (2). Last evaluated 2021-08-30.

Conditions:
Hereditary cancer-predisposing syndrome. Also called: Tumor predisposition; Hereditary Cancer Syndrome; Hereditary neoplastic syndrome; Neoplastic Syndromes, Hereditary. Identifiers: Orphanet 140162, MedGen C0027672, MeSH D009386, MONDO:0015356.
Familial adenomatous polyposis 1 (FAP1). Also called: FAMILIAL ADENOMATOUS POLYPOSIS 1, ATTENUATED; POLYPOSIS, ADENOMATOUS INTESTINAL. Identifiers: MedGen C2713442, MONDO:0021056, OMIM 175100. Disease mechanism: loss of function.

Submissions (2):

Labcorp Genetics (formerly Invitae), Labcorp
Classification: Uncertain significance for Familial adenomatous polyposis 1. Last evaluated: 2021-08-30. Review status: criteria provided, single submitter. Criteria: Invitae Variant Classification Sherloc (09022015). Collection method: clinical testing. Allele origin: germline.
Comment: This sequence change replaces serine with alanine at codon 583 of the APC protein (p.Ser583Ala). The serine residue is highly conserved and there is a moderate physicochemical difference between serine and alanine. This variant is not present in population databases (ExAC no frequency). This variant has not been reported in the literature in individuals affected with APC-related conditions. Algorithms developed to predict the effect of missense changes on protein structure and function are either unavailable or do not agree on the potential impact of this missense change (SIFT: "Deleterious"; PolyPhen-2: "Benign"; Align-GVGD: "Class C65"). In summary, the available evidence is currently insufficient to determine the role of this variant in disease. Therefore, it has been classified as a Variant of Uncertain Significance.

Ambry Genetics
Classification: Uncertain significance for Hereditary cancer-predisposing syndrome. Last evaluated: 2021-03-25. Review status: criteria provided, single submitter. Criteria: Ambry Variant Classification Scheme 2023. Collection method: clinical testing. Allele origin: germline.
Comment: The p.S583A variant (also known as c.1747T>G), located in coding exon 14 of the APC gene, results from a T to G substitution at nucleotide position 1747. The serine at codon 583 is replaced by alanine, an amino acid with similar properties. This amino acid position is highly conserved in available vertebrate species. In addition, in silico predictors for this gene do not accurately predict pathogenicity. Since supporting evidence is limited at this time, the clinical significance of this alteration remains unclear.

NM_000038.6(APC):c.1747T>G (p.Ser583Ala)

Gene: APC (APC regulator of Wnt signaling pathway; plus strand). Cytogenetic location: 5q22.2.
Variant type: single nucleotide variant.
Coding change: c.1747T>G on transcript NM_000038.6 (MANE Select); coding-DNA position 1747, T replaced by G.
Protein change: p.Ser583Ala; replaces serine 583 with alanine.
Molecular consequence: missense variant.
Genome position (GRCh38, 1-based): chr5:112,834,954, T>G. VCF-style: chr5-112834954-T-G. GRCh37 (hg19) VCF-style: chr5-112170651-T-G.
Other names: c.1747T>G, p.Ser583Ala (NM_001127510.3, NM_001354895.2); c.1693T>G, p.Ser565Ala (NM_001127511.3); c.1801T>G, p.Ser601Ala (NM_001354896.2); c.1777T>G, p.Ser593Ala (NM_001354897.2); c.1672T>G, p.Ser558Ala (NM_001354898.2); c.1663T>G, p.Ser555Ala (NM_001354899.2); c.1624T>G, p.Ser542Ala (NM_001354900.2); c.1570T>G, p.Ser524Ala (NM_001354901.2); and 5 more; short protein forms S565A, S583A, S300A, S601A, S457A, S482A, S542A, S558A.
Identifiers: ClinVar variation 411567 (VCV000411567.9), dbSNP rs1060503379, ClinGen allele CA16025136.